The following is an entry in ClinVar:

NM_001079802.2(FKTN):c.369+4A>G

Gene: FKTN (fukutin; plus strand). Cytogenetic location: 9q31.2.
Variant type: single nucleotide variant.
Coding change: c.369+4A>G on transcript NM_001079802.2 (MANE Select); 4 bases into the intron after coding-DNA position 369, A replaced by G.
Molecular consequence: intron variant.
Genome position (GRCh38, 1-based): chr9:105,601,352, A>G. VCF-style: chr9-105601352-A-G. GRCh37 (hg19) VCF-style: chr9-108363633-A-G.
Other names: c.369+4A>G (NM_006731.2, NM_001351496.2, NM_001198963.2 and 1 more transcripts); c.-146+4A>G (NM_001351502.2, NM_001351499.2, NM_001351500.2 and 1 more transcripts); c.300+4A>G (NM_001351497.2).
Identifiers: ClinVar variation 648416 (VCV000648416.7), dbSNP rs1588088864, ClinGen allele CA915947063.

ClinVar aggregate classification (germline): Uncertain significance. Review status: criteria provided, single submitter (1 of 4 stars). 2 submissions from 2 submitters: Uncertain significance (1). 1 of the submissions does not count toward it. Last evaluated 2021-03-10.

Conditions:
Walker-Warburg congenital muscular dystrophy. Also called: Muscular dystrophy-dystroglycanopathy, type A; Walker-Warburg syndrome. Identifiers: Orphanet 899, MedGen C0265221, MONDO:0000171.

Submissions (2):

Labcorp Genetics (formerly Invitae), Labcorp
Classification: Uncertain significance for Walker-Warburg congenital muscular dystrophy. Last evaluated: 2021-03-10. Review status: criteria provided, single submitter. Criteria: Invitae Variant Classification Sherloc (09022015). Collection method: clinical testing. Allele origin: germline.
Comment: This sequence change falls in intron 5 of the FKTN gene. It does not directly change the encoded amino acid sequence of the FKTN protein, but it affects a nucleotide within the consensus splice site of the intron. This variant is not present in population databases (ExAC no frequency). This variant has not been reported in the literature in individuals with FKTN-related disease. Nucleotide substitutions within the consensus splice site are a relatively common cause of aberrant splicing (PMID: 17576681, 9536098). Algorithms developed to predict the effect of sequence changes on RNA splicing suggest that this variant is not likely to affect RNA splicing, but this prediction has not been confirmed by published transcriptional studies. In summary, the available evidence is currently insufficient to determine the role of this variant in disease. Therefore, it has been classified as a Variant of Uncertain Significance.

Natera, Inc.
Classification: Uncertain significance for Walker-Warburg congenital muscular dystrophy. Last evaluated: 2020-02-21. Review status: no assertion criteria provided. Collection method: clinical testing. Allele origin: germline. Not counted in ClinVar's aggregate classification.

Literature cited by the submitters: PubMed 17576681 (cited by Labcorp Genetics (formerly Invitae), Labcorp); PubMed 9536098 (cited by Labcorp Genetics (formerly Invitae), Labcorp).